The following is an entry in ClinVar:

ClinVar aggregate classification (germline): Uncertain significance (1 of 4 stars; one submission).

Submission:

Mayo Clinic Laboratories, Mayo Clinic
Classification: Uncertain significance. Last evaluated: 2025-08-09. Review status: criteria provided, single submitter. Criteria: ACMG Guidelines, 2015. Collection method: clinical testing. Allele origin: germline. Observed: 1 variant allele.
Comment: BP4_moderate, PM2_supporting

NM_001365276.2(TNXB):c.11873T>G (p.Val3958Gly)

Genes: TNXB (tenascin XB; minus strand), LOC106780803 (tenascin XB recombination region; plus strand). Cytogenetic location: 6p21.33.
Variant type: single nucleotide variant.
Coding change: c.11873T>G on transcript NM_001365276.2 (MANE Select); coding-DNA position 11873, T replaced by G.
Protein change: p.Val3958Gly; replaces valine 3958 with glycine.
Molecular consequence: missense variant.
Genome position (GRCh38, 1-based): chr6:32,043,003, A>C on the plus strand (T>G on the coding strand, the complement: TNXB is on the minus strand). VCF-style: chr6-32043003-A-C. GRCh37 (hg19) VCF-style: chr6-32010780-A-C.
Other names: p.Val3956Gly; c.12614T>G, p.Val4205Gly (NM_001428335.1); c.11867T>G, p.Val3956Gly (NM_019105.8); c.1160T>G, p.Val387Gly (NM_032470.4); short protein forms V3956G, V4205G, V3958G, V387G.
Identifiers: ClinVar variation 4541116 (VCV004541116.1).
Genomic context (GRCh38, chr6:32,043,003, plus strand): 5'-CGGGGCACCTGGTTCTGTCCACCAGGGGTGTGGAAGCTGAGCAGGTAGCCTGCGGGCCGG[A>C]CTGGGGGCTCAGTCCAAGTGAGCAGGGCGGTGCGGGGGGTCACTTCCTTGGCCTCCAAGT-3'
Protein context (NP_001352205.1, residues 3948-3968): TALLTWTEPP[Val3958Gly]RPAGYLLSFH